The following is an entry in ClinVar:

NM_005228.5(EGFR):c.3163-5T>C

Gene: EGFR (epidermal growth factor receptor; plus strand). Cytogenetic location: 7p11.2.
Variant type: single nucleotide variant.
Coding change: c.3163-5T>C on transcript NM_005228.5 (MANE Select); 5 bases into the intron before coding-DNA position 3163, T replaced by C.
Molecular consequence: intron variant.
Genome position (GRCh38, 1-based): chr7:55,202,512, T>C. VCF-style: chr7-55202512-T-C. GRCh37 (hg19) VCF-style: chr7-55270205-T-C.
Other names: c.3163-5T>C (NM_005228.3, NM_001346898.2); c.3028-5T>C (NM_001346899.2, NM_001346897.2); c.2362-5T>C (NM_001346941.2); c.3004-5T>C (NM_001346900.2).
Identifiers: ClinVar variation 2006740 (VCV002006740.5), dbSNP rs2128972983, ClinGen allele CA2580077371.
Genomic context (GRCh38, chr7:55,202,512, plus strand): 5'-TTTTTGCAAACACTGAAGTTGGGGCAGCCCTGACCGGAGTAACCTTCCCTCATTTCCTCC[T>C]GCAGCTGCAAAGCTGTCCCATCAAGGAAGACAGCTTCTTGCAGCGATACAGCTCAGACCC-3'

ClinVar aggregate classification (germline): Conflicting classifications of pathogenicity. Review status: criteria provided, conflicting classifications (1 of 4 stars). 2 submissions from 2 submitters: Uncertain significance (1); Likely benign (1). Last evaluated 2024-12-23.

Conditions:
EGFR-related lung cancer (EGFR). Identifiers: MedGen CN130014.
Hereditary cancer-predisposing syndrome. Also called: Hereditary neoplastic syndrome; Hereditary Cancer Syndrome; Tumor predisposition; Neoplastic Syndromes, Hereditary. Identifiers: Orphanet 140162, MedGen C0027672, MeSH D009386, MONDO:0015356.

Submissions (2):

Ambry Genetics
Classification: Uncertain significance for Hereditary cancer-predisposing syndrome. Last evaluated: 2024-12-23. Review status: criteria provided, single submitter. Criteria: Ambry Variant Classification Scheme 2023. Collection method: clinical testing. Allele origin: germline.
Comment: The c.3163-5T>C intronic variant results from a T to C substitution 5 nucleotides upstream from coding exon 27 in the EGFR gene. This nucleotide position is not well conserved in available vertebrate species. In silico splice site analysis predicts that this alteration will not have any significant effect on splicing. Based on the available evidence, the clinical significance of this variant remains unclear.

Labcorp Genetics (formerly Invitae), Labcorp
Classification: Likely benign for EGFR-related lung cancer. Last evaluated: 2024-03-26. Review status: criteria provided, single submitter. Criteria: Invitae Variant Classification Sherloc (09022015). Collection method: clinical testing. Allele origin: germline.